The following is an entry in ClinVar:

NM_015910.7(WDPCP):c.1625-3C>T

Gene: WDPCP (WD repeat containing planar cell polarity effector; minus strand). Cytogenetic location: 2p15.
Variant type: single nucleotide variant.
Coding change: c.1625-3C>T on transcript NM_015910.7 (MANE Select); 3 bases into the intron before coding-DNA position 1625, C replaced by T.
Molecular consequence: intron variant.
Genome position (GRCh38, 1-based): chr2:63,378,512, G>A on the plus strand (C>T on the coding strand, the complement: WDPCP is on the minus strand). VCF-style: chr2-63378512-G-A. GRCh37 (hg19) VCF-style: chr2-63605647-G-A.
Other names: c.1553-3C>T (NM_001354044.2); c.1148-3C>T (NM_001042692.3); c.1625-3C>T (NM_001354045.2).
Identifiers: ClinVar variation 839601 (VCV000839601.7), dbSNP rs1692041154, ClinGen allele CA916082536.

ClinVar aggregate classification (germline): Uncertain significance (1 of 4 stars; one submission).

Conditions:
Bardet-Biedl syndrome (BBS). Identifiers: Orphanet 110, MedGen C0752166, MONDO:0015229.

Submission:

Labcorp Genetics (formerly Invitae), Labcorp
Classification: Uncertain significance for Bardet-Biedl syndrome. Last evaluated: 2022-03-03. Review status: criteria provided, single submitter. Criteria: Invitae Variant Classification Sherloc (09022015). Collection method: clinical testing. Allele origin: germline.
Comment: In summary, the available evidence is currently insufficient to determine the role of this variant in disease. Therefore, it has been classified as a Variant of Uncertain Significance. Variants that disrupt the consensus splice site are a relatively common cause of aberrant splicing (PMID: 17576681, 9536098). Algorithms developed to predict the effect of sequence changes on RNA splicing suggest that this variant may disrupt the consensus splice site. ClinVar contains an entry for this variant (Variation ID: 839601). This variant has not been reported in the literature in individuals affected with WDPCP-related conditions. This variant is not present in population databases (gnomAD no frequency). This sequence change falls in intron 11 of the WDPCP gene. It does not directly change the encoded amino acid sequence of the WDPCP protein. It affects a nucleotide within the consensus splice site.

Literature cited by the submitters: PubMed 17576681; PubMed 9536098.